The following is an entry in ClinVar:

NM_000287.4(PEX6):c.1961+4A>C

Gene: PEX6 (peroxisomal biogenesis factor 6; minus strand). Cytogenetic location: 6p21.1.
Variant type: single nucleotide variant.
Coding change: c.1961+4A>C on transcript NM_000287.4 (MANE Select); 4 bases into the intron after coding-DNA position 1961, A replaced by C.
Molecular consequence: intron variant.
Genome position (GRCh38, 1-based): chr6:42,966,778, T>G on the plus strand (A>C on the coding strand, the complement: PEX6 is on the minus strand). VCF-style: chr6-42966778-T-G. GRCh37 (hg19) VCF-style: chr6-42934516-T-G.
Other names: c.1697+4A>C (NM_001316313.2).
Identifiers: ClinVar variation 1406777 (VCV001406777.4), dbSNP rs748621080, ClinGen allele CA3811171.

ClinVar aggregate classification (germline): Uncertain significance. Review status: criteria provided, multiple submitters, no conflicts (2 of 4 stars). 2 submissions from 2 submitters: Uncertain significance (2). Last evaluated 2024-08-31.

Conditions:
Peroxisome biogenesis disorder. Identifiers: Orphanet 79189, MedGen C1832200, MONDO:0019234. Disease mechanism: loss of function.

Allele frequency attached by ClinVar (database versions not stated): gnomAD exomes below 0.00001 and 0.00001; ExAC 0.00002.
gnomAD v4.1: 2 of 1,613,948 alleles (0.00012%); highest among the groups gnomAD compares: Admixed American, 0.0033%; no homozygotes.

Submissions (2):

Women's Health and Genetics/Laboratory Corporation of America, LabCorp
Classification: Uncertain significance. Last evaluated: 2024-08-31. Review status: criteria provided, single submitter. Criteria: LabCorp Variant Classification Summary - May 2015. Collection method: clinical testing. Allele origin: germline.

Labcorp Genetics (formerly Invitae), Labcorp
Classification: Uncertain significance for Peroxisome biogenesis disorder. Last evaluated: 2021-08-18. Review status: criteria provided, single submitter. Criteria: Invitae Variant Classification Sherloc (09022015). Collection method: clinical testing. Allele origin: germline.
Comment: This sequence change falls in intron 9 of the PEX6 gene. It does not directly change the encoded amino acid sequence of the PEX6 protein. It affects a nucleotide within the consensus splice site of the intron. This variant is present in population databases (rs748621080, ExAC 0.02%). This variant has not been reported in the literature in individuals affected with PEX6-related conditions. Variants that disrupt the consensus splice site are a relatively common cause of aberrant splicing (PMID: 17576681, 9536098). Algorithms developed to predict the effect of sequence changes on RNA splicing suggest that this variant may disrupt the consensus splice site. In summary, the available evidence is currently insufficient to determine the role of this variant in disease. Therefore, it has been classified as a Variant of Uncertain Significance.

Literature cited by the submitters: PubMed 17576681 (cited by Labcorp Genetics (formerly Invitae), Labcorp); PubMed 9536098 (cited by Labcorp Genetics (formerly Invitae), Labcorp).